The following is an entry in ClinVar:

ClinVar aggregate classification (germline): Uncertain significance (1 of 4 stars; one submission).

Conditions:
Hypertrophic cardiomyopathy 1 (CMH1). Also called: MYH7-Related Familial Hypertrophic Cardiomyopathy; Familial hypertrophic cardiomyopathy 1. Identifiers: MedGen C3495498, MONDO:0008647, OMIM 192600.

Submission:

Agnes Ginges Centre for Molecular Cardiology, Centenary Institute
Classification: Uncertain significance for Hypertrophic cardiomyopathy 1. Last evaluated: 2018-10-16. Review status: criteria provided, single submitter. Criteria: ACMG Guidelines, 2015. Collection method: research. Allele origin: germline. Inheritance: Autosomal dominant inheritance. Affected: yes.
Comment: MYH7 Thr1021Ile has not been previously reported and is absent in the Genome Aggregation Database. In silico tools SIFT and MutationTaster predict this variant to be deleterious but PolyPhen2 predicts it to be 'benign'. Based on the adapted ACMG guidelines (Kelly MA, et al., 2018) the variant is rare in the general population (PM2), therefore we classify MYH7 Thr1021Ile as a variant of 'uncertain significance'.

NM_000257.4(MYH7):c.3062C>T (p.Thr1021Ile)

Gene: MYH7 (myosin heavy chain 7; minus strand). Cytogenetic location: 14q11.2.
Variant type: single nucleotide variant.
Coding change: c.3062C>T on transcript NM_000257.4 (MANE Select); coding-DNA position 3062, C replaced by T.
Protein change: p.Thr1021Ile; replaces threonine 1021 with isoleucine.
Molecular consequence: missense variant.
Genome position (GRCh38, 1-based): chr14:23,423,584, G>A on the plus strand (C>T on the coding strand, the complement: MYH7 is on the minus strand). VCF-style: chr14-23423584-G-A. GRCh37 (hg19) VCF-style: chr14-23892793-G-A.
Other names: short protein forms T1021I.
Identifiers: ClinVar variation 870090 (VCV000870090.1), dbSNP rs1892569850, ClinGen allele CA389045741.